The following is an entry in ClinVar:

ClinVar aggregate classification (germline): Likely benign. Review status: reviewed by expert panel (3 of 4 stars). 16 submissions from 14 submitters: Likely benign (1). 15 of the submissions do not count toward it. Last evaluated 2018-10-22.

Conditions:
Usher syndrome. Also called: Usher's syndrome; Usher Syndromes. Identifiers: Orphanet 886, MedGen CN469326, MeSH D052245, MONDO:0019501. Disease mechanism: loss of function.
Retinal dystrophy. Also called: Inherited retinal dystrophy. Identifiers: Orphanet 71862, MedGen C0854723, MeSH D058499, MONDO:0019118, HP:0000556.
Usher syndrome type 1 (USH1). Also called: RETINITIS PIGMENTOSA AND CONGENITAL DEAFNESS. Identifiers: Orphanet 231169, Orphanet 886, MedGen C1568247, MONDO:0010168, OMIM 276900.
Autosomal recessive nonsyndromic hearing loss 2. Also called: NEUROSENSORY NONSYNDROMIC RECESSIVE DEAFNESS 2; DEAFNESS, AUTOSOMAL RECESSIVE 2. Identifiers: Orphanet 90636, MedGen C1838701, MONDO:0010807, OMIM 600060.
Autosomal dominant nonsyndromic hearing loss 11. Identifiers: Orphanet 90635, MedGen C1832475, MONDO:0011032, OMIM 601317.
Usher syndrome type 1B (USH1B). Also called: Usher syndrome type IB. Identifiers: MedGen C1848638, MONDO:0700087.

Allele frequency attached by ClinVar (database versions not stated): 1000 Genomes Project 30x 0.00125; 1000 Genomes Project 0.00140; TOPMed 0.00182; gnomAD 0.00281.
gnomAD v4.1: 4,747 of 1,613,070 alleles (0.29%); highest among the groups gnomAD compares: Non-Finnish European, 0.37%; 15 homozygotes.

Submissions (16):

ClinGen Hearing Loss Variant Curation Expert Panel
Classification: Likely benign for Usher syndrome. Last evaluated: 2018-10-22. Review status: reviewed by expert panel. Criteria: ClinGen HL ACMG Specifications v1. Collection method: curation. Allele origin: germline. Inheritance: Autosomal recessive inheritance.
Comment: The filtering allele frequency of the c.905G>A (p.Arg302His) variant in the MYO7A gene is 0.4% for European chromosomes by gnomAD (587/126276 with 95% CI), which is a high enough frequency to be classified as likely benign based on the thresholds defined by the ClinGen Hearing Loss Expert Panel for autosomal recessive hearing loss variants (BS1). While this variant has been reported in several individuals with Usher syndrome, in 2 individuals it was identified in cis with another pathogenic MYO7A variant (BP2; PMID 8900236). This variant has also been reported in at least 2 additional individuals with Usher syndrome who had alternate genetic etiologies identified (PMID: 25468891). In addition, in vitro functional evidence from one study suggests that the Arg302His variant had little effect on motor activity of MYO7A (BS3_Supporting PMID: 18700726). In summary, this variant meets criteria to be classified as likely benign. ACMG/AMP criteria applied, as specified by the Hearing Loss Expert Panel : BS1, BP2, BS3_Supporting.

Labcorp Genetics (formerly Invitae), Labcorp
Classification: Benign. Last evaluated: 2026-02-04. Review status: criteria provided, single submitter. Criteria: Invitae Variant Classification Sherloc (09022015). Collection method: clinical testing. Allele origin: germline. Not counted in ClinVar's aggregate classification.

CeGaT Center for Human Genetics Tuebingen
Classification: Likely benign. Last evaluated: 2025-06-01. Review status: criteria provided, single submitter. Criteria: CeGaT Center For Human Genetics Tuebingen Variant Classification Criteria Version 2. Collection method: clinical testing. Allele origin: germline. Affected: yes. Observed: 6 variant alleles. Not counted in ClinVar's aggregate classification.
Comment: MYO7A: BS2

Mayo Clinic Laboratories, Mayo Clinic
Classification: Likely benign. Last evaluated: 2025-03-28. Review status: criteria provided, single submitter. Criteria: ACMG Guidelines, 2015. Collection method: clinical testing. Allele origin: germline. Observed: 1 variant allele. Not counted in ClinVar's aggregate classification.
Comment: BS1, BS3_supporting, BP2

Blueprint Genetics
Classification: Likely benign. Last evaluated: 2024-11-27. Review status: criteria provided, single submitter. Criteria: ACMG Guidelines, 2015. Collection method: clinical testing. Allele origin: germline. Not counted in ClinVar's aggregate classification.

Fulgent Genetics
Classification: Likely benign for Usher syndrome type 1; Autosomal recessive nonsyndromic hearing loss 2; Autosomal dominant nonsyndromic hearing loss 11. Last evaluated: 2021-11-19. Review status: criteria provided, single submitter. Criteria: ACMG Guidelines, 2015. Collection method: clinical testing. Allele origin: unknown. Not counted in ClinVar's aggregate classification.

GeneDx
Classification: Likely benign. Last evaluated: 2018-05-30. Review status: criteria provided, single submitter. Criteria: GeneDx Variant Classification (06012015). Collection method: clinical testing. Allele origin: germline. Affected: yes. Not counted in ClinVar's aggregate classification.
Comment: This variant is considered likely benign or benign based on one or more of the following criteria: it is a conservative change, it occurs at a poorly conserved position in the protein, it is predicted to be benign by multiple in silico algorithms, and/or has population frequency not consistent with disease.

Illumina Laboratory Services, Illumina
Classification: Likely benign for Usher syndrome type 1. Last evaluated: 2017-04-27. Review status: criteria provided, single submitter. Criteria: ICSL Variant Classification Criteria 13 December 2019. Collection method: clinical testing. Allele origin: germline. Not counted in ClinVar's aggregate classification.
Comment: This variant was observed as part of a predisposition screen in an ostensibly healthy population. A literature search was performed for the gene, cDNA change, and amino acid change (where applicable). Publications were found based on this search. The evidence from the literature, in combination with allele frequency data from public databases where available, was sufficient to determine this variant is unlikely to cause disease. Therefore, this variant is classified as likely benign.

Illumina Laboratory Services, Illumina
Classification: Likely benign for Autosomal dominant nonsyndromic hearing loss 11. Last evaluated: 2017-04-27. Review status: criteria provided, single submitter. Criteria: ICSL Variant Classification Criteria 13 December 2019. Collection method: clinical testing. Allele origin: germline. Not counted in ClinVar's aggregate classification.
Comment: This variant was observed as part of a predisposition screen in an ostensibly healthy population. A literature search was performed for the gene, cDNA change, and amino acid change (where applicable). No publications were found based on this search. Allele frequency data from public databases allowed determination this variant is unlikely to cause disease. Therefore, this variant is classified as likely benign.

Illumina Laboratory Services, Illumina
Classification: Likely benign for Autosomal recessive nonsyndromic hearing loss 2. Last evaluated: 2017-04-27. Review status: criteria provided, single submitter. Criteria: ICSL Variant Classification Criteria 13 December 2019. Collection method: clinical testing. Allele origin: germline. Not counted in ClinVar's aggregate classification.
Comment: the same text as in the submission from Illumina Laboratory Services, Illumina above.

Eurofins Ntd Llc (ga)
Classification: Likely benign. Last evaluated: 2014-12-16. Review status: criteria provided, single submitter. Criteria: EGL Classification Definitions 2015. Collection method: clinical testing. Allele origin: germline. Observed: 1 variant allele, 1 heterozygote. Not counted in ClinVar's aggregate classification.

Laboratory for Molecular Medicine, Mass General Brigham Personalized Medicine
Classification: Benign. Last evaluated: 2010-05-06. Review status: criteria provided, single submitter. Criteria: LMM Criteria. Collection method: clinical testing. Allele origin: germline. Observed: 11 variant alleles. Not counted in ClinVar's aggregate classification.
Comment: This variant has been identified in 4.2% of controls(rs41298135) and functional studies do not show an impact to protein function (Watanabe 2008).

Institute of Human Genetics, Univ. Regensburg, Univ. Regensburg
Classification: Likely benign for Retinal dystrophy. Last evaluated: 2008-01-01. Review status: criteria provided, single submitter. Criteria: ACMG Guidelines, 2015. Collection method: clinical testing. Allele origin: germline. Affected: yes. Not counted in ClinVar's aggregate classification.

Breakthrough Genomics
Classification: Likely benign. Review status: criteria provided, single submitter. Criteria: ACMG Guidelines, 2015. Collection method: not provided. Allele origin: germline. Inheritance: Autosomal recessive inheritance. Affected: yes. Not counted in ClinVar's aggregate classification.

Natera, Inc.
Classification: Benign for Usher syndrome type 1B. Last evaluated: 2020-04-16. Review status: no assertion criteria provided. Collection method: clinical testing. Allele origin: germline. Not counted in ClinVar's aggregate classification.

OMIM
Classification: Pathogenic for USHER SYNDROME, TYPE IB. Last evaluated: 1996-11-01. Review status: no assertion criteria provided. Collection method: literature only. Allele origin: germline. Not counted in ClinVar's aggregate classification.

Literature cited by the submitters: PubMed 8900236 (cited by 6 submitters); PubMed 18700726 (cited by 6 submitters); PubMed 25468891 (cited by Mayo Clinic Laboratories, Mayo Clinic); PubMed 35226187 (cited by Mayo Clinic Laboratories, Mayo Clinic); PubMed 16963483 (cited by Illumina Laboratory Services, Illumina); PubMed 3130723 (cited by Illumina Laboratory Services, Illumina); PubMed 21738395 (cited by Illumina Laboratory Services, Illumina); PubMed 21569298 (cited by Illumina Laboratory Services, Illumina and Institute of Human Genetics, Univ. Regensburg, Univ. Regensburg); PubMed 22135276 (cited by Illumina Laboratory Services, Illumina); PubMed 30245029 (cited by Institute of Human Genetics, Univ. Regensburg, Univ. Regensburg); PubMed 35085295 (cited by Institute of Human Genetics, Univ. Regensburg, Univ. Regensburg).

NM_000260.4(MYO7A):c.905G>A (p.Arg302His)

Gene: MYO7A (myosin VIIA; plus strand). Cytogenetic location: 11q13.5.
Variant type: single nucleotide variant.
Coding change: c.905G>A on transcript NM_000260.4 (MANE Select); coding-DNA position 905, G replaced by A.
Protein change: p.Arg302His; replaces arginine 302 with histidine.
Molecular consequence: missense variant.
Genome position (GRCh38, 1-based): chr11:77,158,332, G>A. VCF-style: chr11-77158332-G-A. GRCh37 (hg19) VCF-style: chr11-76869378-G-A.
Other names: NM_000260.3(MYO7A):c.905G>A; c.905G>A, p.Arg302His (NM_001127180.2); c.872G>A, p.Arg291His (NM_001369365.1); short protein forms R302H, R291H.
Identifiers: ClinVar variation 11852 (VCV000011852.69), dbSNP rs41298135, ClinGen allele CA132454.